The following is an entry in ClinVar:

NC_012920.1(MT-ND1):m.3946G>A

Genes: MT-ATP6 (mitochondrially encoded ATP synthase 6; plus strand), MT-ATP8 (mitochondrially encoded ATP synthase 8; plus strand), MT-CO1 (mitochondrially encoded cytochrome c oxidase I; plus strand), MT-CO2 (mitochondrially encoded cytochrome c oxidase II; plus strand), MT-ND1 (mitochondrially encoded NADH dehydrogenase 1; plus strand) and 17 more.
Variant type: single nucleotide variant.
Genome position: chrM-3946-G-A.
Other names: 3946G-A.
Identifiers: ClinVar variation 9734 (VCV000009734.12), dbSNP rs199476123, ClinGen allele CA254862.

ClinVar aggregate classification (germline): Likely pathogenic. Review status: reviewed by expert panel (3 of 4 stars). 9 submissions from 9 submitters: Likely pathogenic (1). 8 of the submissions do not count toward it. Last evaluated 2023-08-22.

Conditions:
Primary Mitochondrial Disorders. Identifiers: MedGen CN381104.
Mitochondrial disease. Also called: Mitochondrial disorder; Mitochondrial disorders. Identifiers: Orphanet 68380, MedGen C0751651, MeSH D028361, MONDO:0044970.
Leber optic atrophy (LHON). Also called: Optic Atrophy, Hereditary, Leber; Leber hereditary optic neuropathy; Leber's disease; Leber's optic atrophy. Identifiers: Orphanet 104, MedGen C0917796, MONDO:0010788, OMIM 535000, HP:0001112.
MELAS syndrome (MELAS). Also called: Juvenile myopathy, encephalopathy, lactic acidosis, stroke. Identifiers: Orphanet 550, MedGen C0162671, MONDO:0010789, OMIM 540000.
Leigh syndrome (NULS). Also called: Leigh's necrotizing encephalopathy; Leigh's disease; Leigh's syndrome; LEIGH SYNDROME, NUCLEAR; Leigh Disease; Leigh Syndrome (mtDNA deletion). Identifiers: Orphanet 506, MedGen C2931891, MONDO:0009723, OMIM 256000.

Submissions (9):

ClinGen Mitochondrial Disease Nuclear and Mitochondrial  Variant Curation Expert Panel, ClinGen
Classification: Likely pathogenic for Mitochondrial disease. Last evaluated: 2023-08-22. Review status: reviewed by expert panel. Criteria: clingen mito disease acmg specifications v1-1. Collection method: curation. Allele origin: germline. Inheritance: Mitochondrial inheritance.
Comment: The m.3946G>A (p.E214K) variant in MT-ND1 has been reported in at least five unrelated individuals with features of a primary mitochondrial disease. Affected individuals had variable ages of onset (first few months of life to mid-teenage years). Features were variable but consistent with mitochondrial encephalomyopathy with lactic acidosis and stroke-like episodes (MELAS), complex seizure disorder, or Leigh syndrome. Heteroplasmy ranged from 45% to 66% in fibroblasts or muscle (PS4_moderate; PMIDs: 26741492, 15466014, 31996177, 24105702). The variant was not detected in the blood or urine sediment of the mother in one case, however these tissues differed from that tested in the proband (PMID: 24105702). Electron transport chain (ETC) enzyme activities were assessed in multiple unrelated affected individuals with non-diagnostic exome sequencing and chromosomal microarray. Two individuals had major combined complex deficiency (Pt619 and Pt640; PMID: 26741492). An additional individual had approximately 20% residual activity in fibroblasts compared to controls, a 40%–60% decrease in mature complex I levels, reduced levels of MT-ND1 protein, and normal MT-ND1 mRNA levels (PP4; PMID: 24105702). Studies in E. coli (PMID: 16849371) and cybrids (PMID: 15466014) support the functional impact of this variant, and independent studies showed independent deleterious effects of the variant (PS3_supporting). The m.3946G>A variant is present in Mitomap’s GenBank dataset at less than 1/50,000 or 0.002% (1/61,168 sequences, 0.00163%, haplogroup L0f). This variant is absent in gnomAD v3.1.2 and in Helix dataset therefore this variant is absent in healthy individuals (PM2_supporting). The computational predictor APOGEE gives a consensus rating of pathogenic with a score of 0.66 (Min=0, Max=1), which predicts a damaging effect on gene function (PP3). In summary, this variant meets criteria to be classified as likely pathogenic for primary mitochondrial disease inherited in a mitochondrial manner. This classification was approved by the NICHD/NINDS U24 ClinGen Mitochondrial Disease Variant Curation Expert Panel on August 22, 2023. Mitochondrial DNA-specific ACMG/AMP criteria applied (PMID: 32906214): PS4_moderate, PP4, PS3_supporting, PP3, PM2_supporting.

Variantyx, Inc.
Classification: Likely pathogenic for Primary mitochondrial disorders. Last evaluated: 2025-05-22. Review status: criteria provided, single submitter. Criteria: Variantyx Assertion Criteria 2022. Collection method: clinical testing. Allele origin: germline. Not counted in ClinVar's aggregate classification.
Comment: The m.3946G>A, c.640G>A, p.Glu214Lys change is a a nonsynonymous single nucleotide variant in the MT-ND1 gene. Pathogenic variants in this gene have been associated with primary mitochondrial disorders. Functional studies support a deleterious effect for this variant (PMID: 16849371, 15466014)) (PS3) and computational algorithms support a deleterious effect on the gene or gene product 0.61 (PP3). This variant is absent from control populations (PM2). It has been reported in the heteroplasmic state in many unrelated affected individuals, however information regarding haplogroup was not provided (PMID: 38465286, 31996177, 28429146, 26741492, 15466014). Based on the current evidence, this variant is classified as likely pathogenic for primary mitochondrial disorders.

Institute of Medical Genetics and Applied Genomics, University Hospital Tübingen
Classification: Pathogenic for MELAS syndrome. Last evaluated: 2024-08-05. Review status: criteria provided, single submitter. Criteria: ACMG Guidelines, 2015. Collection method: clinical testing. Allele origin: germline. Inheritance: Mitochondrial inheritance. Affected: yes. Not counted in ClinVar's aggregate classification.

Mendelics
Classification: Pathogenic for Leber optic atrophy. Last evaluated: 2022-05-04. Review status: criteria provided, single submitter. Criteria: Mendelics Assertion Criteria 2019. Collection method: clinical testing. Allele origin: germline. Not counted in ClinVar's aggregate classification.

Institute of Human Genetics, University of Leipzig Medical Center
Classification: Likely pathogenic for MELAS syndrome. Last evaluated: 2022-04-07. Review status: criteria provided, single submitter. Criteria: ACMG Guidelines, 2015. Collection method: clinical testing. Allele origin: maternal. Inheritance: Mitochondrial inheritance. Affected: yes. Not counted in ClinVar's aggregate classification.
Comment: Criteria applied: PS3,PS4_MOD,PM2_SUP,PP3

Wong Mito Lab, Molecular and Human Genetics, Baylor College of Medicine
Classification: Pathogenic for Leigh syndrome. Last evaluated: 2019-10-17. Review status: criteria provided, single submitter. Criteria: Modified ACMG Guidelines (Unpublished). Collection method: clinical testing. Allele origin: germline. Not counted in ClinVar's aggregate classification.
Comment: The NC_012920.1:m.3946G>A (YP_003024026.1:p.Glu214Lys) variant in MTND1 gene is interpretated to be a Pathogenic variant based on the modified ACMG guidelines (unpublished). This variant meets the following evidence codes: PS1, PS3

OMIM
Classification: Pathogenic for MELAS SYNDROME. Last evaluated: 2004-10-01. Review status: no assertion criteria provided. Collection method: literature only. Allele origin: germline. Not counted in ClinVar's aggregate classification.

GeneReviews
No classification provided. Condition: MELAS syndrome. Review status: no classification provided. Collection method: literature only. Allele origin: maternal. Not counted in ClinVar's aggregate classification.

Genomics England Pilot Project, Genomics England
Classification: Likely pathogenic for Leber optic atrophy. Review status: no assertion criteria provided. Criteria: ACGS Guidelines, 2016. Collection method: clinical testing. Allele origin: germline. Affected: yes. Not counted in ClinVar's aggregate classification.

Literature cited by the submitters: PubMed 15466014 (cited by 3 submitters); PubMed 15972314 (cited by Wong Mito Lab, Molecular and Human Genetics, Baylor College of Medicine); PubMed 16849371 (cited by Wong Mito Lab, Molecular and Human Genetics, Baylor College of Medicine); PubMed 21364701 (cited by Wong Mito Lab, Molecular and Human Genetics, Baylor College of Medicine).